The following is an entry in ClinVar:

ClinVar aggregate classification (germline): Uncertain significance (1 of 4 stars; one submission).

Conditions:
Hereditary cancer-predisposing syndrome. Also called: Neoplastic Syndromes, Hereditary; Tumor predisposition; Hereditary Cancer Syndrome; Hereditary neoplastic syndrome. Identifiers: Orphanet 140162, MedGen C0027672, MeSH D009386, MONDO:0015356.

Submission:

Ambry Genetics
Classification: Uncertain significance for Hereditary cancer-predisposing syndrome. Last evaluated: 2026-01-28. Review status: criteria provided, single submitter. Criteria: Ambry Variant Classification Scheme 2023. Collection method: clinical testing. Allele origin: germline.
Comment: The c.1188_1190dupTCT variant (also known as p.L398dup), located in coding exon 13 of the MUTYH gene, results from an in-frame duplication of TCT at nucleotide positions 1188 to 1190. This results in the duplication of an extra residue between codons 398 and 399. This amino acid position is highly conserved in available vertebrate species. In addition, this variant is predicted to be deleterious by in silico analysis (Choi Y et al. PLoS ONE. 2012; 7(10):e46688). Based on the available evidence, the clinical significance of this variant remains unclear.

NM_001048174.2(MUTYH):c.1104_1106dup (p.Leu370_Ala371insLeu)

Gene: MUTYH (mutY DNA glycosylase; minus strand). Cytogenetic location: 1p34.1.
Variant type: Duplication.
Coding change: c.1104_1106dup on transcript NM_001048174.2 (MANE Select); coding-DNA positions 1104 to 1106, 3 bases duplicated (TCT; older notation c.1104_1106dupTCT).
Protein change: p.Leu370_Ala371insLeu.
Molecular consequence: non-coding transcript variant (on NR_146882.2). On other transcripts: inframe indel (1).
Genome position (GRCh38, 1-based): chr1:45,331,553-45,331,555, AGA duplicated on the plus strand (TCT on the coding strand, the reverse complement: MUTYH is on the minus strand). VCF-style (leftmost placement, unchanged base first): chr1-45331552-C-CAGA. GRCh37 (hg19) VCF-style: chr1-45797224-C-CAGA.
Other names: c.1107_1109dup, p.Leu371_Ala372insLeu (NM_001407071.1, NM_001407078.1, NM_001407086.1 and 1 more transcripts); c.1104_1106dup, p.Leu370_Ala371insLeu (NM_001407072.1, NM_001407073.1, NM_001407081.1 and 6 more transcripts); c.1020_1022dup, p.Leu342_Ala343insLeu (NM_001407075.1); c.1137_1139dup, p.Leu381_Ala382insLeu (NM_001407077.1, NM_001293191.2, NM_001407069.1); c.1065_1067dup, p.Leu357_Ala358insLeu (NM_001407079.1); c.1062_1064dup, p.Leu356_Ala357insLeu (NM_001407080.1); c.759_761dup, p.Leu255_Ala256insLeu (NM_001407082.1, NM_001350650.2, NM_001350651.2); c.1146_1148dup, p.Leu384_Ala385insLeu (NM_001407083.1, NM_001407085.1); and 6 more.
Identifiers: ClinVar variation 4843756 (VCV004843756.1).